The following is an entry in ClinVar:

NM_000321.3(RB1):c.735del (p.Ile246fs)

Gene: RB1 (RB transcriptional corepressor 1; plus strand). Cytogenetic location: 13q14.2.
Variant type: Deletion.
Coding change: c.735del on transcript NM_000321.3 (MANE Select); coding-DNA position 735, one base deleted (C; older notation c.735delC).
Protein change: p.Ile246fs; shifts the reading frame from isoleucine 246.
Molecular consequence: frameshift variant.
Genome position (GRCh38, 1-based): chr13:48,362,831, C deleted; the last of 3 consecutive C bases (chr13:48,362,829-48,362,831); deleting any one gives the same sequence. VCF-style (leftmost placement, unchanged base first): chr13-48362828-AC-A. GRCh37 (hg19) VCF-style: chr13-48936964-AC-A.
Other names: c.735delC (NM_000321.2); short protein forms I246fs.
Identifiers: ClinVar variation 428665 (VCV000428665.4), dbSNP rs1131690847, ClinGen allele CA645369537.

ClinVar aggregate classification (germline): Pathogenic. Review status: criteria provided, multiple submitters, no conflicts (2 of 4 stars). 2 submissions from 2 submitters: Pathogenic (2). Last evaluated 2023-05-19.

Conditions:
RB1-related disorder. Also called: RB1-related condition.
Hereditary cancer-predisposing syndrome. Also called: Hereditary Cancer Syndrome; Neoplastic Syndromes, Hereditary; Hereditary neoplastic syndrome; Tumor predisposition. Identifiers: Orphanet 140162, MedGen C0027672, MeSH D009386, MONDO:0015356.

Submissions (2):

PreventionGenetics, part of Exact Sciences
Classification: Pathogenic for RB1-related condition. Last evaluated: 2023-05-19. Review status: criteria provided, single submitter. Criteria: ACMG Guidelines, 2015. Collection method: clinical testing. Allele origin: germline.
Comment: The RB1 c.735delC variant is predicted to result in a frameshift and premature protein termination (p.Ile246Leufs*18). To our knowledge, this variant has not been reported in the literature or in a large population database, indicating this variant is rare. Frameshift variants in RB1 are expected to be pathogenic. It is interpreted as pathogenic in ClinVar. This variant is interpreted as pathogenic.

Ambry Genetics
Classification: Pathogenic for Hereditary cancer-predisposing syndrome. Last evaluated: 2012-02-14. Review status: criteria provided, single submitter. Criteria: Ambry Autosomal Dominant and X-Linked criteria (10/2015). Collection method: clinical testing. Allele origin: germline. Observed: 1 variant allele.
Comment: This alteration is expected to result in loss of function by premature protein truncation or nonsense-mediatedâ€¯mRNAâ€¯decay.â€¯As such, this alteration is interpreted as a disease-causing mutation.